The following is an entry in ClinVar:

NM_001130438.3(SPTAN1):c.3436C>T (p.Arg1146Trp)

Gene: SPTAN1 (spectrin alpha, non-erythrocytic 1; plus strand). Cytogenetic location: 9q34.11.
Variant type: single nucleotide variant.
Coding change: c.3436C>T on transcript NM_001130438.3 (MANE Select); coding-DNA position 3436, C replaced by T.
Protein change: p.Arg1146Trp; replaces arginine 1146 with tryptophan.
Molecular consequence: missense variant.
Genome position (GRCh38, 1-based): chr9:128,598,421, C>T. VCF-style: chr9-128598421-C-T. GRCh37 (hg19) VCF-style: chr9-131360700-C-T.
Other names: c.3436C>T, p.Arg1146Trp (NM_001375311.2, NM_001375313.1, NM_001438443.1 and 4 more transcripts); c.3472C>T, p.Arg1158Trp (NM_001375312.2, NM_001375318.1, NM_001438440.1); c.3376C>T, p.Arg1126Trp (NM_001375314.2, NM_001438441.1, NM_001438442.1 and 3 more transcripts); short protein forms R1126W, R1146W, R1158W.
Identifiers: ClinVar variation 4888059 (VCV004888059.1).

ClinVar aggregate classification (germline): Uncertain significance (1 of 4 stars; one submission).

Submission:

GeneDx
Classification: Uncertain significance. Last evaluated: 2026-03-07. Review status: criteria provided, single submitter. Criteria: GeneDx Variant Classification Process June 2021. Collection method: clinical testing. Allele origin: germline.
Comment: Not observed at significant frequency in large population cohorts (gnomAD); In silico analysis supports that this missense variant has a deleterious effect on protein structure/function; Has not been previously published as pathogenic or benign to our knowledge